The following is an entry in ClinVar:

ClinVar aggregate classification (germline): Uncertain significance (0 of 4 stars; one submission).

Conditions:
Autosomal dominant Parkinson disease 8. Also called: Parkinson disease 8, susceptibility to; LRRK2-Related Parkinson Disease; Parkinson disease 8. Identifiers: Orphanet 411602, MedGen C1846862, MONDO:0011764, OMIM 607060.

Allele frequency attached by ClinVar (database versions not stated): gnomAD exomes 0.99994; ExAC 0.99994; TOPMed 1.00000; gnomAD 0.99999.

Submission:

GeneReviews
Classification: Uncertain significance for LRRK2-Related Parkinson Disease. Last evaluated: 2012-09-13. Review status: no assertion criteria provided. Collection method: curation. Allele origin: unknown.
ClinVar note: Converted during submission from unknown to Uncertain significance.

NM_198578.4(LRRK2):c.3021= (p.Ser1007=)

Gene: LRRK2 (leucine rich repeat kinase 2; plus strand). Cytogenetic location: 12q12.
Variant type: single nucleotide variant.
Coding change: c.3021= on transcript NM_198578.4 (MANE Select); coding-DNA position 3021, no change from the reference sequence.
Protein change: p.Ser1007=; no amino-acid change (serine 1007 retained).
Molecular consequence: no sequence alteration.
Genome position: GRCh38 VCF-style: chr12-40295569-T-T. GRCh37 (hg19) VCF-style: chr12-40689371-T-T.
Identifiers: ClinVar variation 39160 (VCV000039160.4), dbSNP rs55783828.